The following is an entry in ClinVar:

ClinVar aggregate classification (germline): Uncertain significance. Review status: criteria provided, single submitter (1 of 4 stars). 2 submissions from 2 submitters: Uncertain significance (1). 1 of the submissions does not count toward it. Last evaluated 2024-07-23.

Conditions:
Familial adenomatous polyposis 1 (FAP1). Also called: FAMILIAL ADENOMATOUS POLYPOSIS 1, ATTENUATED; POLYPOSIS, ADENOMATOUS INTESTINAL. Identifiers: MedGen C2713442, MONDO:0021056, OMIM 175100. Disease mechanism: loss of function.
Colon cancer. Also called: Malignant tumor of colon. Identifiers: MedGen C0007102, MONDO:0021063, HP:0003003.

Allele frequency attached by ClinVar (database versions not stated): gnomAD exomes below 0.00001.
gnomAD v4.1: 1 of 1,614,204 alleles (0.000062%); highest among the groups gnomAD compares: African/African-American, 0.0013%; no homozygotes.

Submissions (2):

Labcorp Genetics (formerly Invitae), Labcorp
Classification: Uncertain significance for Familial adenomatous polyposis 1. Last evaluated: 2024-07-23. Review status: criteria provided, single submitter. Criteria: Invitae Variant Classification Sherloc (09022015). Collection method: clinical testing. Allele origin: germline.
Comment: This sequence change replaces serine, which is neutral and polar, with glycine, which is neutral and non-polar, at codon 996 of the APC protein (p.Ser996Gly). This variant is not present in population databases (gnomAD no frequency). This variant has not been reported in the literature in individuals affected with APC-related conditions. ClinVar contains an entry for this variant (Variation ID: 559964). Advanced modeling of protein sequence and biophysical properties (such as structural, functional, and spatial information, amino acid conservation, physicochemical variation, residue mobility, and thermodynamic stability) performed at Invitae indicates that this missense variant is not expected to disrupt APC protein function with a negative predictive value of 95%. In summary, the available evidence is currently insufficient to determine the role of this variant in disease. Therefore, it has been classified as a Variant of Uncertain Significance.

3DMed Clinical Laboratory Inc
Classification: Uncertain significance for Colon cancer. Last evaluated: 2018-03-05. Review status: no assertion criteria provided. Criteria: ACMG Guidelines, 2015. Collection method: clinical testing. Allele origin: germline. Affected: yes. Not counted in ClinVar's aggregate classification.

NM_000038.6(APC):c.2986A>G (p.Ser996Gly)

Gene: APC (APC regulator of Wnt signaling pathway; plus strand). Cytogenetic location: 5q22.2.
Variant type: single nucleotide variant.
Coding change: c.2986A>G on transcript NM_000038.6 (MANE Select); coding-DNA position 2986, A replaced by G.
Protein change: p.Ser996Gly; replaces serine 996 with glycine.
Molecular consequence: missense variant.
Genome position (GRCh38, 1-based): chr5:112,838,580, A>G. VCF-style: chr5-112838580-A-G. GRCh37 (hg19) VCF-style: chr5-112174277-A-G.
Other names: c.2986A>G, p.Ser996Gly (NM_001127510.3, NM_001354895.2); c.2932A>G, p.Ser978Gly (NM_001127511.3); c.3040A>G, p.Ser1014Gly (NM_001354896.2); c.3016A>G, p.Ser1006Gly (NM_001354897.2); c.2911A>G, p.Ser971Gly (NM_001354898.2); c.2902A>G, p.Ser968Gly (NM_001354899.2); c.2863A>G, p.Ser955Gly (NM_001354900.2); c.2809A>G, p.Ser937Gly (NM_001354901.2); and 5 more; short protein forms S978G, S996G, S1006G, S836G, S870G, S955G, S971G, S1014G.
Identifiers: ClinVar variation 559964 (VCV000559964.4), dbSNP rs1554084628, ClinGen allele CA16027863.